The following is an entry in ClinVar:

NM_000210.4(ITGA6):c.1932C>T (p.Thr644=)

Genes: ITGA6 (integrin subunit alpha 6; plus strand), PDK1-AS1 (PDK1 and ITGA6 antisense RNA 1; minus strand). Cytogenetic location: 2q31.1.
Variant type: single nucleotide variant.
Coding change: c.1932C>T on transcript NM_000210.4 (MANE Select); coding-DNA position 1932, C replaced by T.
Protein change: p.Thr644=; no amino-acid change (threonine 644 retained).
Molecular consequence: synonymous variant.
Genome position (GRCh38, 1-based): chr2:172,487,100, C>T. VCF-style: chr2-172487100-C-T. GRCh37 (hg19) VCF-style: chr2-173351828-C-T.
Other names: c.1932C>T, p.Thr644= (NM_001079818.3, NM_001365529.2, NM_001365530.2); c.1575C>T, p.Thr525= (NM_001316306.2); c.2049C>T, p.Thr683= (NM_001394928.1); c.1932C>T (NM_000210.3).
Identifiers: ClinVar variation 3003680 (VCV003003680.6), dbSNP rs371882767, ClinGen allele CA1968258.

ClinVar aggregate classification (germline): Conflicting classifications of pathogenicity. Review status: criteria provided, conflicting classifications (1 of 4 stars). 3 submissions from 3 submitters: Uncertain significance (1); Likely benign (1). 1 of the submissions does not count toward it. Last evaluated 2024-05-21.

Conditions:
ITGA6-related disorder. Also called: ITGA6-related condition.
Epidermolysis bullosa, junctional 6, with pyloric atresia. Also called: ITGA6-Related Epidermolysis Bullosa with Pyloric Atresia. Identifiers: MedGen C5676957, MONDO:0859233, OMIM 619817.

Allele frequency attached by ClinVar (database versions not stated): gnomAD 0.00001; ESP Exome Variant Server 0.00008; TOPMed 0.00001; ExAC 0.00001.
gnomAD v4.1: 125 of 1,611,278 alleles (0.0078%); highest among the groups gnomAD compares: Non-Finnish European, 0.011%; no homozygotes.

Submissions (3):

Fulgent Genetics
Classification: Uncertain significance for Epidermolysis bullosa, junctional 6, with pyloric atresia. Last evaluated: 2024-05-21. Review status: criteria provided, single submitter. Criteria: ACMG Guidelines, 2015. Collection method: clinical testing. Allele origin: germline.

Labcorp Genetics (formerly Invitae), Labcorp
Classification: Likely benign. Last evaluated: 2024-03-13. Review status: criteria provided, single submitter. Criteria: Invitae Variant Classification Sherloc (09022015). Collection method: clinical testing. Allele origin: germline.

PreventionGenetics, part of Exact Sciences
Classification: Likely benign for ITGA6-related condition. Last evaluated: 2019-09-20. Review status: no assertion criteria provided. Collection method: clinical testing. Allele origin: germline. Not counted in ClinVar's aggregate classification.
Comment: This variant is classified as likely benign based on ACMG/AMP sequence variant interpretation guidelines (Richards et al. 2015 PMID: 25741868, with internal and published modifications).